The following is an entry in ClinVar:

ClinVar aggregate classification (germline): Uncertain significance. Review status: criteria provided, multiple submitters, no conflicts (2 of 4 stars). 2 submissions from 2 submitters: Uncertain significance (2). Last evaluated 2025-11-19.

Allele frequency attached by ClinVar (database versions not stated): gnomAD 0.00009.

Submissions (2):

Labcorp Genetics (formerly Invitae), Labcorp
Classification: Uncertain significance. Last evaluated: 2025-11-19. Review status: criteria provided, single submitter. Criteria: Invitae Variant Classification Sherloc (09022015). Collection method: clinical testing. Allele origin: germline.
Comment: This sequence change replaces arginine, which is basic and polar, with glutamine, which is neutral and polar, at codon 917 of the HYOU1 protein (p.Arg917Gln). This variant is present in population databases (rs143927145, gnomAD 0.08%), and has an allele count higher than expected for a pathogenic variant. This variant has not been reported in the literature in individuals affected with HYOU1-related conditions. ClinVar contains an entry for this variant (Variation ID: 1435831). An algorithm developed to predict the effect of missense changes on protein structure and function (PolyPhen-2) suggests that this variant is likely to be tolerated. In summary, the available evidence is currently insufficient to determine the role of this variant in disease. Therefore, it has been classified as a Variant of Uncertain Significance.

Ambry Genetics
Classification: Uncertain significance. Last evaluated: 2023-04-20. Review status: criteria provided, single submitter. Criteria: Ambry Variant Classification Scheme 2023. Collection method: clinical testing. Allele origin: germline.

NM_006389.5(HYOU1):c.2750G>A (p.Arg917Gln)

Gene: HYOU1 (hypoxia up-regulated 1; minus strand). Cytogenetic location: 11q23.3.
Variant type: single nucleotide variant.
Coding change: c.2750G>A on transcript NM_006389.5 (MANE Select); coding-DNA position 2750, G replaced by A.
Protein change: p.Arg917Gln; replaces arginine 917 with glutamine.
Molecular consequence: missense variant.
Genome position (GRCh38, 1-based): chr11:119,046,648, C>T on the plus strand (G>A on the coding strand, the complement: HYOU1 is on the minus strand). VCF-style: chr11-119046648-C-T. GRCh37 (hg19) VCF-style: chr11-118917360-C-T.
Other names: c.2750G>A, p.Arg917Gln (NM_001130991.3); c.2750G>A (NM_006389.3); short protein forms R917Q.
Identifiers: ClinVar variation 1435831 (VCV001435831.9), dbSNP rs143927145, ClinGen allele CA229616894.